The following is an entry in ClinVar:

NM_000821.7(GGCX):c.1915C>T (p.Gln639Ter)

Gene: GGCX (gamma-glutamyl carboxylase; minus strand). Cytogenetic location: 2p11.2.
Variant type: single nucleotide variant.
Coding change: c.1915C>T on transcript NM_000821.7 (MANE Select); coding-DNA position 1915, C replaced by T.
Protein change: p.Gln639Ter; replaces glutamine 639 with a stop codon.
Molecular consequence: nonsense.
Genome position (GRCh38, 1-based): chr2:85,550,724, G>A on the plus strand (C>T on the coding strand, the complement: GGCX is on the minus strand). VCF-style: chr2-85550724-G-A. GRCh37 (hg19) VCF-style: chr2-85777847-G-A.
Other names: c.1744C>T, p.Gln582Ter (NM_001142269.4); short protein forms Q582*, Q639*.
Identifiers: ClinVar variation 3614216 (VCV003614216.2).

ClinVar aggregate classification (germline): Pathogenic (1 of 4 stars; one submission).

Submission:

Labcorp Genetics (formerly Invitae), Labcorp
Classification: Pathogenic. Last evaluated: 2025-09-17. Review status: criteria provided, single submitter. Criteria: Invitae Variant Classification Sherloc (09022015). Collection method: clinical testing. Allele origin: germline.
Comment: This sequence change creates a premature translational stop signal (p.Gln639*) in the GGCX gene. It is expected to result in an absent or disrupted protein product. Loss-of-function variants in GGCX are known to be pathogenic (PMID: 17110937, 17327402, 24520408). This variant is not present in population databases (gnomAD no frequency). This variant has not been reported in the literature in individuals affected with GGCX-related conditions. ClinVar contains an entry for this variant (Variation ID: 3614216). For these reasons, this variant has been classified as Pathogenic.

Literature cited by the submitters: PubMed 17110937; PubMed 17327402; PubMed 24520408.